The following is an entry in ClinVar:

NM_000209.4(PDX1):c.428C>G (p.Pro143Arg)

Gene: PDX1 (pancreatic and duodenal homeobox 1; plus strand). Cytogenetic location: 13q12.2.
Variant type: single nucleotide variant.
Coding change: c.428C>G on transcript NM_000209.4 (MANE Select); coding-DNA position 428, C replaced by G.
Protein change: p.Pro143Arg; replaces proline 143 with arginine.
Molecular consequence: missense variant.
Genome position (GRCh38, 1-based): chr13:27,924,277, C>G. VCF-style: chr13-27924277-C-G. GRCh37 (hg19) VCF-style: chr13-28498414-C-G.
Other names: c.428C>G (NM_000209.3); short protein forms P143R.
Identifiers: ClinVar variation 2164545 (VCV002164545.6), dbSNP rs771656169, ClinGen allele CA6927664.

ClinVar aggregate classification (germline): Uncertain significance. Review status: criteria provided, multiple submitters, no conflicts (2 of 4 stars). 3 submissions from 3 submitters: Uncertain significance (3). Last evaluated 2023-09-15.

Conditions:
PDX1-related disorder. Also called: PDX1-related disorders; PDX1-related condition.

Allele frequency attached by ClinVar (database versions not stated): ExAC 0.00002; gnomAD exomes 0.00004.

Submissions (3):

PreventionGenetics, part of Exact Sciences
Classification: Uncertain significance for PDX1-related condition. Last evaluated: 2023-09-15. Review status: criteria provided, single submitter. Criteria: ACMG Guidelines, 2015. Collection method: clinical testing. Allele origin: germline.
Comment: The PDX1 c.428C>G variant is predicted to result in the amino acid substitution p.Pro143Arg. To our knowledge, this variant has not been reported in the literature. This variant is reported in 0.0064% of alleles in individuals of European (Non-Finnish) descent in gnomAD. At this time, the clinical significance of this variant is uncertain due to the absence of conclusive functional and genetic evidence.

Blueprint Genetics
Classification: Uncertain significance. Last evaluated: 2023-07-11. Review status: criteria provided, single submitter. Criteria: ACMG Guidelines, 2015. Collection method: clinical testing. Allele origin: germline.

Labcorp Genetics (formerly Invitae), Labcorp
Classification: Uncertain significance. Last evaluated: 2022-04-02. Review status: criteria provided, single submitter. Criteria: Invitae Variant Classification Sherloc (09022015). Collection method: clinical testing. Allele origin: germline.
Comment: This sequence change replaces proline, which is neutral and non-polar, with arginine, which is basic and polar, at codon 143 of the PDX1 protein (p.Pro143Arg). This variant is present in population databases (rs771656169, gnomAD 0.007%). This missense change has been observed in individual(s) with type 2 diabetes (PMID: 21569088). Algorithms developed to predict the effect of missense changes on protein structure and function are either unavailable or do not agree on the potential impact of this missense change (SIFT: "Deleterious"; PolyPhen-2: "Benign"; Align-GVGD: "Class C0"). In summary, the available evidence is currently insufficient to determine the role of this variant in disease. Therefore, it has been classified as a Variant of Uncertain Significance.

Literature cited by the submitters: PubMed 21569088 (cited by Labcorp Genetics (formerly Invitae), Labcorp).